The following is an entry in ClinVar:

NM_000264.5(PTCH1):c.2251-13T>G

Genes: PTCH1 (patched 1; minus strand), LOC100507346 (uncharacterized LOC100507346; plus strand). Cytogenetic location: 9q22.32.
Variant type: single nucleotide variant.
Coding change: c.2251-13T>G on transcript NM_000264.5 (MANE Select); 13 bases into the intron before coding-DNA position 2251, T replaced by G.
Molecular consequence: intron variant. On other transcripts: non-coding transcript variant (1).
Genome position (GRCh38, 1-based): chr9:95,467,438, A>C on the plus strand (T>G on the coding strand, the complement: PTCH1 is on the minus strand). VCF-style: chr9-95467438-A-C. GRCh37 (hg19) VCF-style: chr9-98229720-A-C.
Other names: c.2248-13T>G (NM_001083603.3); c.2053-13T>G (NM_001083602.3); c.2095-13T>G (NM_001354918.2); c.1798-13T>G (NM_001083605.3, NM_001083604.3, NM_001083606.3 and 1 more transcripts).
Identifiers: ClinVar variation 3939914 (VCV003939914.1).
Genomic context (GRCh38, chr9:95,467,438, plus strand): 5'-ATAAAGGCTGACCCCCAGCAAGCCCAGAAAAAGGAAGATCACCACTACCTGGAACAGAAG[A>C]GGCACAAGGTCAGACCCCAGGGAGCACCACTGACTCTTCCTGGACAAAGAGAAGCTGTCT-3'

ClinVar aggregate classification (germline): Uncertain significance (1 of 4 stars; one submission).

Conditions:
Hereditary cancer-predisposing syndrome. Also called: Tumor predisposition; Hereditary neoplastic syndrome; Hereditary Cancer Syndrome; Neoplastic Syndromes, Hereditary. Identifiers: Orphanet 140162, MedGen C0027672, MeSH D009386, MONDO:0015356.

Submission:

Ambry Genetics
Classification: Uncertain significance for Hereditary cancer-predisposing syndrome. Last evaluated: 2025-05-17. Review status: criteria provided, single submitter. Criteria: Ambry Variant Classification Scheme 2023. Collection method: clinical testing. Allele origin: germline.
Comment: The c.2251-13T>G intronic variant results from a T to G substitution 13 nucleotides upstream from coding exon 15 in the PTCH1 gene. In silico splice site analysis predicts that this alteration will not have any significant effect on splicing; however, direct evidence is insufficient at this time (Ambry internal data). Based on the available evidence, the clinical significance of this variant remains unclear.